The following is an entry in ClinVar:

NM_001197104.2(KMT2A):c.10171C>A (p.Gln3391Lys)

Gene: KMT2A (lysine methyltransferase 2A; plus strand). Cytogenetic location: 11q23.3.
Variant type: single nucleotide variant.
Coding change: c.10171C>A on transcript NM_001197104.2 (MANE Select); coding-DNA position 10171, C replaced by A.
Protein change: p.Gln3391Lys; replaces glutamine 3391 with lysine.
Molecular consequence: missense variant.
Genome position (GRCh38, 1-based): chr11:118,506,063, C>A. VCF-style: chr11-118506063-C-A. GRCh37 (hg19) VCF-style: chr11-118376778-C-A.
Other names: c.10261C>A, p.Gln3421Lys (NM_001412597.1); c.10162C>A, p.Gln3388Lys (NM_005933.4); short protein forms Q3388K, Q3391K, Q3421K.
Identifiers: ClinVar variation 1953194 (VCV001953194.5), dbSNP rs1555048203, ClinGen allele CA382822804.

ClinVar aggregate classification (germline): Uncertain significance (1 of 4 stars; one submission).

Allele frequency attached by ClinVar (database versions not stated): gnomAD exomes below 0.00001; gnomAD 0.00001; TOPMed 0.00001.
gnomAD v4.1: 3 of 1,614,068 alleles (0.00019%); highest among the groups gnomAD compares: African/African-American, 0.004%; no homozygotes.

Submission:

Labcorp Genetics (formerly Invitae), Labcorp
Classification: Uncertain significance. Last evaluated: 2022-08-19. Review status: criteria provided, single submitter. Criteria: Invitae Variant Classification Sherloc (09022015). Collection method: clinical testing. Allele origin: germline.
Comment: This sequence change replaces glutamine, which is neutral and polar, with lysine, which is basic and polar, at codon 3391 of the KMT2A protein (p.Gln3391Lys). This variant is present in population databases (no rsID available, gnomAD 0.007%). This variant has not been reported in the literature in individuals affected with KMT2A-related conditions. Algorithms developed to predict the effect of missense changes on protein structure and function (SIFT, PolyPhen-2, Align-GVGD) all suggest that this variant is likely to be tolerated. In summary, the available evidence is currently insufficient to determine the role of this variant in disease. Therefore, it has been classified as a Variant of Uncertain Significance.